The following is an entry in ClinVar:

NM_005896.4(IDH1):c.1162C>A (p.Arg388Ser)

Gene: IDH1 (isocitrate dehydrogenase (NADP(+)) 1; minus strand). Cytogenetic location: 2q34.
Variant type: single nucleotide variant.
Coding change: c.1162C>A on transcript NM_005896.4 (MANE Select); coding-DNA position 1162, C replaced by A.
Protein change: p.Arg388Ser; replaces arginine 388 with serine.
Molecular consequence: missense variant.
Genome position (GRCh38, 1-based): chr2:208,237,162, G>T on the plus strand (C>A on the coding strand, the complement: IDH1 is on the minus strand). VCF-style: chr2-208237162-G-T. GRCh37 (hg19) VCF-style: chr2-209101886-G-T.
Other names: c.1162C>A, p.Arg388Ser (NM_001282386.1, NM_001282387.1); short protein forms R388S.
Identifiers: ClinVar variation 3225125 (VCV003225125.1), dbSNP rs1168592559, ClinGen allele CA350093664.

ClinVar aggregate classification (germline): Uncertain significance (1 of 4 stars; one submission).

Submission:

Ambry Genetics
Classification: Uncertain significance. Last evaluated: 2024-01-17. Review status: criteria provided, single submitter. Criteria: Ambry Variant Classification Scheme 2023. Collection method: clinical testing. Allele origin: germline.
Comment: The p.R388S variant (also known as c.1162C>A), located in coding exon 8 of the IDH1 gene, results from a C to A substitution at nucleotide position 1162. The arginine at codon 388 is replaced by serine, an amino acid with dissimilar properties. This amino acid position is conserved. In addition, the in silico prediction for this alteration is inconclusive. Based on the available evidence, the clinical significance of this alteration remains unclear.